The following is an entry in ClinVar:

NM_001174150.2(ARL13B):c.214T>G (p.Leu72Val)

Gene: ARL13B (ARF like GTPase 13B; plus strand). Cytogenetic location: 3q11.2.
Variant type: single nucleotide variant.
Coding change: c.214T>G on transcript NM_001174150.2 (MANE Select); coding-DNA position 214, T replaced by G.
Protein change: p.Leu72Val; replaces leucine 72 with valine.
Molecular consequence: missense variant. On other transcripts: 5 prime UTR variant (1), intron variant (1).
Genome position (GRCh38, 1-based): chr3:94,003,742, T>G. VCF-style: chr3-94003742-T-G. GRCh37 (hg19) VCF-style: chr3-93722586-T-G.
Other names: c.-96T>G (NM_001174151.2); c.169T>G, p.Leu57Val (NM_001321328.2); c.214T>G, p.Leu72Val (NM_182896.3); c.59+23260T>G (NM_144996.4); short protein forms L57V, L72V.
Identifiers: ClinVar variation 1470156 (VCV001470156.8), dbSNP rs2107435658, ClinGen allele CA353675485.

ClinVar aggregate classification (germline): Uncertain significance (1 of 4 stars; one submission).

Conditions:
Joubert syndrome 8 (JBTS8). Identifiers: Orphanet 475, MedGen C2676771, MONDO:0012855, OMIM 612291.

Submission:

Labcorp Genetics (formerly Invitae), Labcorp
Classification: Uncertain significance for Joubert syndrome 8. Last evaluated: 2022-06-20. Review status: criteria provided, single submitter. Criteria: Invitae Variant Classification Sherloc (09022015). Collection method: clinical testing. Allele origin: germline.
Comment: In summary, the available evidence is currently insufficient to determine the role of this variant in disease. Therefore, it has been classified as a Variant of Uncertain Significance. Algorithms developed to predict the effect of missense changes on protein structure and function are either unavailable or do not agree on the potential impact of this missense change (SIFT: "Tolerated"; PolyPhen-2: "Possibly Damaging"; Align-GVGD: "Class C0"). This sequence change replaces leucine, which is neutral and non-polar, with valine, which is neutral and non-polar, at codon 72 of the ARL13B protein (p.Leu72Val). This variant is not present in population databases (gnomAD no frequency). This variant has not been reported in the literature in individuals affected with ARL13B-related conditions.